The following is an entry in ClinVar:

ClinVar aggregate classification (germline): Likely benign (1 of 4 stars; one submission).

Submission:

CeGaT Center for Human Genetics Tuebingen
Classification: Likely benign. Last evaluated: 2023-02-01. Review status: criteria provided, single submitter. Criteria: CeGaT Center For Human Genetics Tuebingen Variant Classification Criteria Version 2. Collection method: clinical testing. Allele origin: germline. Affected: yes. Observed: 1 variant allele.
Comment: KCNK4: PM2:Supporting, BP4, BP7

NM_033310.3(KCNK4):c.927T>C (p.Cys309=)

Genes: KCNK4 (potassium two pore domain channel subfamily K member 4; plus strand), KCNK4-CATSPERZ (KCNK4-CATSPERZ readthrough (NMD candidate); plus strand). Cytogenetic location: 11q13.1.
Variant type: single nucleotide variant.
Coding change: c.927T>C on transcript NM_033310.3 (MANE Select); coding-DNA position 927, T replaced by C.
Protein change: p.Cys309=; no amino-acid change (cysteine 309 retained).
Molecular consequence: synonymous variant. On other transcripts: non-coding transcript variant (3).
Genome position (GRCh38, 1-based): chr11:64,299,471, T>C. VCF-style: chr11-64299471-T-C. GRCh37 (hg19) VCF-style: chr11-64066943-T-C.
Other names: c.927T>C, p.Cys309= (NM_001317090.2, NM_033311.1).
Identifiers: ClinVar variation 2641920 (VCV002641920.24), dbSNP rs2495702046, ClinGen allele CA381067784.